The following is an entry in ClinVar:

ClinVar aggregate classification (germline): Uncertain significance (1 of 4 stars; one submission).

Submission:

Labcorp Genetics (formerly Invitae), Labcorp
Classification: Uncertain significance. Last evaluated: 2019-11-18. Review status: criteria provided, single submitter. Criteria: Invitae Variant Classification Sherloc (09022015). Collection method: clinical testing. Allele origin: germline.
Comment: Algorithms developed to predict the effect of missense changes on protein structure and function (SIFT, PolyPhen-2, Align-GVGD) all suggest that this variant is likely to be tolerated, but these predictions have not been confirmed by published functional studies and their clinical significance is uncertain. In summary, the available evidence is currently insufficient to determine the role of this variant in disease. Therefore, it has been classified as a Variant of Uncertain Significance. This sequence change replaces aspartic acid with valine at codon 1371 of the RP1 protein (p.Asp1371Val). The aspartic acid residue is moderately conserved and there is a large physicochemical difference between aspartic acid and valine. This variant has not been reported in the literature in individuals with RP1-related conditions. This variant is not present in population databases (ExAC no frequency).

NM_006269.2(RP1):c.4112A>T (p.Asp1371Val)

Gene: RP1 (RP1 axonemal microtubule associated; plus strand). Cytogenetic location: 8q12.1.
Variant type: single nucleotide variant.
Coding change: c.4112A>T on transcript NM_006269.2 (MANE Select); coding-DNA position 4112, A replaced by T.
Protein change: p.Asp1371Val; replaces aspartic acid 1371 with valine.
Molecular consequence: missense variant. On other transcripts: intron variant (1).
Genome position (GRCh38, 1-based): chr8:54,627,994, A>T. VCF-style: chr8-54627994-A-T. GRCh37 (hg19) VCF-style: chr8-55540554-A-T.
Other names: c.787+5706A>T (NM_001375654.1); short protein forms D1371V.
Identifiers: ClinVar variation 834487 (VCV000834487.9), dbSNP rs1806122988, ClinGen allele CA370981291.